The following is an entry in ClinVar:

ClinVar aggregate classification (germline): Pathogenic (1 of 4 stars; one submission).

Submission:

GeneDx
Classification: Pathogenic. Last evaluated: 2017-03-29. Review status: criteria provided, single submitter. Criteria: GeneDx Variant Classification (06012015). Collection method: clinical testing. Allele origin: germline. Affected: yes.
Comment: The Q984X variant in the EHMT1 gene has not been reported previously as a pathogenic variant nor as a benign variant, to our knowledge. This variant is predicted to cause loss of normal protein function either through protein truncation or nonsense-mediated mRNA decay. The Q984X variant is not observed in large population cohorts (Lek et al., 2016; 1000 Genomes Consortium et al., 2015; Exome Variant Server). We interpret Q984X as a pathogenic variant.

NM_024757.5(EHMT1):c.2950C>T (p.Gln984Ter)

Gene: EHMT1 (euchromatic histone lysine methyltransferase 1; plus strand). Cytogenetic location: 9q34.3.
Variant type: single nucleotide variant.
Coding change: c.2950C>T on transcript NM_024757.5 (MANE Select); coding-DNA position 2950, C replaced by T.
Protein change: p.Gln984Ter; replaces glutamine 984 with a stop codon.
Molecular consequence: nonsense.
Genome position (GRCh38, 1-based): chr9:137,813,088, C>T. VCF-style: chr9-137813088-C-T. GRCh37 (hg19) VCF-style: chr9-140707540-C-T.
Other names: c.2929C>T, p.Gln977Ter (NM_001354263.2); short protein forms Q984*, Q977*.
Identifiers: ClinVar variation 426890 (VCV000426890.2), dbSNP rs1085307843, ClinGen allele CA375793475.
Genomic context (GRCh38, chr9:137,813,088, plus strand): 5'-GATGTCACCTTAAAGAACAAGGAAGGAGAGACGCCCCTGCAGTGTGCGAGCCTCAACTCT[C>T]AGGTGTGGAGCGCTCTGCAGATGAGCAAGGCTCTGCAGGACTCGGCCCCCGACAGGCCCA-3'